The following is an entry in ClinVar:

NM_004947.5(DOCK3):c.5610C>T (p.Ser1870=)

Gene: DOCK3 (dedicator of cytokinesis 3; plus strand). Cytogenetic location: 3p21.2.
Variant type: single nucleotide variant.
Coding change: c.5610C>T on transcript NM_004947.5 (MANE Select); coding-DNA position 5610, C replaced by T.
Protein change: p.Ser1870=; no amino-acid change (serine 1870 retained).
Molecular consequence: synonymous variant.
Genome position (GRCh38, 1-based): chr3:51,381,076, C>T. VCF-style: chr3-51381076-C-T. GRCh37 (hg19) VCF-style: chr3-51418507-C-T.
Identifiers: ClinVar variation 3050699 (VCV003050699.2), dbSNP rs377070694, ClinGen allele CA2422102.

ClinVar aggregate classification (germline): Likely benign (0 of 4 stars; one submission).

Conditions:
DOCK3-related disorder. Also called: DOCK3-related condition.

Allele frequency attached by ClinVar (database versions not stated): ExAC 0.00002; TOPMed 0.00004; gnomAD 0.00007; gnomAD exomes 0.00010; ESP Exome Variant Server 0.00015.
gnomAD v4.1: 158 of 1,606,636 alleles (0.0098%); highest among the groups gnomAD compares: Non-Finnish European, 0.013%; no homozygotes.

Submission:

PreventionGenetics, part of Exact Sciences
Classification: Likely benign for DOCK3-related condition. Last evaluated: 2019-07-19. Review status: no assertion criteria provided. Collection method: clinical testing. Allele origin: germline.
Comment: This variant is classified as likely benign based on ACMG/AMP sequence variant interpretation guidelines (Richards et al. 2015 PMID: 25741868, with internal and published modifications).